The following is an entry in ClinVar:

NM_001012301.4(ARSI):c.779G>A (p.Arg260Gln)

Gene: ARSI (arylsulfatase family member I; minus strand). Cytogenetic location: 5q32.
Variant type: single nucleotide variant.
Coding change: c.779G>A on transcript NM_001012301.4 (MANE Select); coding-DNA position 779, G replaced by A.
Protein change: p.Arg260Gln; replaces arginine 260 with glutamine.
Molecular consequence: missense variant.
Genome position (GRCh38, 1-based): chr5:150,298,145, C>T on the plus strand (G>A on the coding strand, the complement: ARSI is on the minus strand). VCF-style: chr5-150298145-C-T. GRCh37 (hg19) VCF-style: chr5-149677708-C-T.
Other names: short protein forms R260Q.
Identifiers: ClinVar variation 657041 (VCV000657041.7), dbSNP rs533440544, ClinGen allele CA3510249.

ClinVar aggregate classification (germline): Uncertain significance (1 of 4 stars; one submission).

Conditions:
Spastic paraplegia. Identifiers: MedGen C0037772, HP:0001258.

Allele frequency attached by ClinVar (database versions not stated): ExAC 0.00003; gnomAD exomes 0.00005 and 0.00010; 1000 Genomes Project 30x 0.00016; 1000 Genomes Project 0.00020; gnomAD 0.00021 and 0.00022; TOPMed 0.00034.
gnomAD v4.1: 123 of 1,613,934 alleles (0.0076%); highest among the groups gnomAD compares: Admixed American, 0.072%; no homozygotes.

Submission:

Labcorp Genetics (formerly Invitae), Labcorp
Classification: Uncertain significance for Spastic paraplegia. Last evaluated: 2021-08-31. Review status: criteria provided, single submitter. Criteria: Invitae Variant Classification Sherloc (09022015). Collection method: clinical testing. Allele origin: germline.
Comment: This sequence change replaces arginine with glutamine at codon 260 of the ARSI protein (p.Arg260Gln). The arginine residue is highly conserved and there is a small physicochemical difference between arginine and glutamine. This variant is present in population databases (rs533440544, ExAC 0.01%). This variant has not been reported in the literature in individuals affected with ARSI-related conditions. Algorithms developed to predict the effect of missense changes on protein structure and function are either unavailable or do not agree on the potential impact of this missense change (SIFT: "Tolerated"; PolyPhen-2: "Probably Damaging"; Align-GVGD: "Class C0"). In summary, the available evidence is currently insufficient to determine the role of this variant in disease. Therefore, it has been classified as a Variant of Uncertain Significance.